The following is an entry in ClinVar:

ClinVar aggregate classification (germline): Uncertain significance (1 of 4 stars; one submission).

Submission:

Women's Health and Genetics/Laboratory Corporation of America, LabCorp
Classification: Uncertain significance. Last evaluated: 2024-07-23. Review status: criteria provided, single submitter. Criteria: LabCorp Variant Classification Summary - May 2015. Collection method: clinical testing. Allele origin: germline.
Comment: Variant summary: The variant involves the duplication of exon 11 in the CFTR gene. A presumed nomenclature of c.(1392+1_1393-1)_(1584+1_1585-1)dup has been designated for the purposes of this classification. It is assumed to be a tandem duplication in direct orientation (PMIDs: 25640679, 30054569). This Copy Number Variant (CNV) is predicted to result in an in-frame duplication within this gene. The variant was absent in 21674 control chromosomes (gnomAD Structural Variants v2.1 dataset). The available data on variant occurrences in the general population are insufficient to allow any conclusion about variant significance. To our knowledge, no occurrence of c.(1392+1_1393-1)_(1584+1_1585-1)dup in individuals affected with Cystic Fibrosis and no experimental evidence demonstrating its impact on protein function have been reported. ClinVar contains multiple entries for this variant (Variation ID: 2423156, 2682487). Based on the evidence outlined above, the variant was classified as uncertain significance.

NC_000007.13:g.(117188878_117199517)_(117199710_117227792)dup

Gene: CFTR (CF transmembrane conductance regulator; plus strand). Cytogenetic location: 7q31.2.
Variant type: Duplication.
Identifiers: ClinVar variation 2682487 (VCV002682487.2).